The following is an entry in ClinVar:

NM_018718.3(CEP41):c.*655C>T

Gene: CEP41 (centrosomal protein 41; minus strand). Cytogenetic location: 7q32.2.
Variant type: single nucleotide variant.
Coding change: c.*655C>T on transcript NM_018718.3 (MANE Select); 655 bases downstream of the stop codon, C replaced by T.
Molecular consequence: 3 prime UTR variant. On other transcripts: non-coding transcript variant (1).
Genome position (GRCh38, 1-based): chr7:130,398,236, G>A on the plus strand (C>T on the coding strand, the complement: CEP41 is on the minus strand). VCF-style: chr7-130398236-G-A. GRCh37 (hg19) VCF-style: chr7-130038077-G-A.
Other names: c.*655C>T (NM_001257158.2, NM_001257159.2).
Identifiers: ClinVar variation 911100 (VCV000911100.4), dbSNP rs141441037, ClinGen allele CA4485306.
Genomic context (GRCh38, chr7:130,398,236, plus strand): 5'-CCCTCCTCCCCGGTGTGAAGACACCCACATGCATACCTTTCTGGCTCCAGGAAATATCTA[G>A]TAAGGGGGAGCATTCAGTGAGTGTACAGCTACTTTCCTCATCTTCAATTTCAGTGAGTAC-3'

ClinVar aggregate classification (germline): Benign (1 of 4 stars; one submission).

Conditions:
Joubert syndrome 15 (JBTS15). Identifiers: Orphanet 475, MedGen C3280897, MONDO:0013763, OMIM 614464.

Allele frequency attached by ClinVar (database versions not stated): ExAC 0.00038; gnomAD exomes 0.00090 and 0.00192; gnomAD 0.00185 and 0.00204; TOPMed 0.00202; 1000 Genomes Project 30x 0.00609; 1000 Genomes Project 0.00699.
gnomAD v4.1: 575 of 454,134 alleles (0.13%); highest among the groups gnomAD compares: East Asian, 2.2%; 3 homozygotes.

Submission:

Illumina Laboratory Services, Illumina
Classification: Benign for Joubert syndrome 15. Last evaluated: 2017-04-27. Review status: criteria provided, single submitter. Criteria: ICSL Variant Classification Criteria 13 December 2019. Collection method: clinical testing. Allele origin: germline.
Comment: This variant was observed as part of a predisposition screen in an ostensibly healthy population. A literature search was performed for the gene, cDNA change, and amino acid change (where applicable). No publications were found based on this search. Allele frequency data from public databases was too high to be consistent with this variant causing disease. Therefore, this variant is classified as benign.